The following is an entry in ClinVar:

ClinVar aggregate classification (germline): Uncertain significance (1 of 4 stars; one submission).

Conditions:
Hereditary nonpolyposis colorectal neoplasms. Identifiers: MedGen C0009405, MeSH D003123.

Submission:

Labcorp Genetics (formerly Invitae), Labcorp
Classification: Uncertain significance for Hereditary nonpolyposis colorectal neoplasms. Last evaluated: 2023-12-02. Review status: criteria provided, single submitter. Criteria: Invitae Variant Classification Sherloc (09022015). Collection method: clinical testing. Allele origin: germline.
Comment: This sequence change replaces alanine, which is neutral and non-polar, with serine, which is neutral and polar, at codon 842 of the MSH6 protein (p.Ala842Ser). This variant is not present in population databases (gnomAD no frequency). This variant has not been reported in the literature in individuals affected with MSH6-related conditions. Advanced modeling of protein sequence and biophysical properties (such as structural, functional, and spatial information, amino acid conservation, physicochemical variation, residue mobility, and thermodynamic stability) has been performed at Invitae for this missense variant, however the output from this modeling did not meet the statistical confidence thresholds required to predict the impact of this variant on MSH6 protein function. In summary, the available evidence is currently insufficient to determine the role of this variant in disease. Therefore, it has been classified as a Variant of Uncertain Significance.

NM_000179.3(MSH6):c.2524G>T (p.Ala842Ser)

Gene: MSH6 (mutS homolog 6; plus strand). Cytogenetic location: 2p16.3.
Variant type: single nucleotide variant.
Coding change: c.2524G>T on transcript NM_000179.3 (MANE Select); coding-DNA position 2524, G replaced by T.
Protein change: p.Ala842Ser; replaces alanine 842 with serine.
Molecular consequence: missense variant. On other transcripts: non-coding transcript variant (5), intron variant (3).
Genome position (GRCh38, 1-based): chr2:47,800,507, G>T. VCF-style: chr2-47800507-G-T. GRCh37 (hg19) VCF-style: chr2-48027646-G-T.
Other names: c.2524G>T, p.Ala842Ser (NM_001406808.1, NM_001406809.1, NM_001406796.1 and 2 more transcripts); c.1618G>T, p.Ala540Ser (NM_001406811.1, NM_001406812.1, NM_001406814.1 and 6 more transcripts); c.2530G>T, p.Ala844Ser (NM_001406813.1); c.2227G>T, p.Ala743Ser (NM_001406818.1, NM_001406819.1, NM_001406830.1 and 10 more transcripts); c.2308+216G>T (NM_001406803.1); c.1606+918G>T (NM_001406817.1); c.628-159G>T (NM_001407362.1); c.2356G>T, p.Ala786Ser (NM_001406826.1); and 4 more; short protein forms A540S, A842S, A667S, A816S, A844S, A874S, A712S, A743S.
Identifiers: ClinVar variation 2831432 (VCV002831432.3), dbSNP rs746143003, ClinGen allele CA346754403.